The following is an entry in ClinVar:

NM_004006.3(DMD):c.1573G>C (p.Ala525Pro)

Gene: DMD (dystrophin; minus strand). Cytogenetic location: Xp21.1.
Variant type: single nucleotide variant.
Coding change: c.1573G>C on transcript NM_004006.3 (MANE Select); coding-DNA position 1573, G replaced by C.
Protein change: p.Ala525Pro; replaces alanine 525 with proline.
Molecular consequence: missense variant.
Genome position (GRCh38, 1-based): chrX:32,595,786, C>G on the plus strand (G>C on the coding strand, the complement: DMD is on the minus strand). VCF-style: chrX-32595786-C-G. GRCh37 (hg19) VCF-style: chrX-32613903-C-G.
Other names: c.1549G>C, p.Ala517Pro (NM_000109.4); c.1561G>C, p.Ala521Pro (NM_004009.3); c.1204G>C, p.Ala402Pro (NM_004010.3); short protein forms A521P, A525P, A517P, A402P.
Identifiers: ClinVar variation 3730497 (VCV003730497.2).

ClinVar aggregate classification (germline): Uncertain significance (1 of 4 stars; one submission).

Conditions:
Duchenne muscular dystrophy (DMD). Also called: Duchenne Muscular Dystrophy (DMD); MUSCULAR DYSTROPHY, PSEUDOHYPERTROPHIC PROGRESSIVE, DUCHENNE TYPE. Identifiers: Orphanet 98896, MedGen C0013264, MONDO:0010679, OMIM 310200.

gnomAD v4.1: 2 of 1,210,106 alleles (0.00017%); no homozygotes.

Submission:

Labcorp Genetics (formerly Invitae), Labcorp
Classification: Uncertain significance for Duchenne muscular dystrophy. Last evaluated: 2025-03-25. Review status: criteria provided, single submitter. Criteria: Invitae Variant Classification Sherloc (09022015). Collection method: clinical testing. Allele origin: germline.
Comment: This sequence change replaces alanine, which is neutral and non-polar, with proline, which is neutral and non-polar, at codon 525 of the DMD protein (p.Ala525Pro). This variant is not present in population databases (gnomAD no frequency). This variant has not been reported in the literature in individuals affected with DMD-related conditions. Invitae Evidence Modeling of protein sequence and biophysical properties (such as structural, functional, and spatial information, amino acid conservation, physicochemical variation, residue mobility, and thermodynamic stability) indicates that this missense variant is not expected to disrupt DMD protein function with a negative predictive value of 95%. In summary, the available evidence is currently insufficient to determine the role of this variant in disease. Therefore, it has been classified as a Variant of Uncertain Significance.